The following is an entry in ClinVar:

ClinVar aggregate classification (germline): Benign/Likely benign. Review status: criteria provided, multiple submitters, no conflicts (2 of 4 stars). 2 submissions from 2 submitters: Benign (1); Likely benign (1). Last evaluated 2026-02-02.

Submissions (2):

Labcorp Genetics (formerly Invitae), Labcorp
Classification: Benign. Last evaluated: 2026-02-02. Review status: criteria provided, single submitter. Criteria: Invitae Variant Classification Sherloc (09022015). Collection method: clinical testing. Allele origin: germline.

GeneDx
Classification: Likely benign. Last evaluated: 2017-12-13. Review status: criteria provided, single submitter. Criteria: GeneDx Variant Classification (06012015). Collection method: clinical testing. Allele origin: germline. Affected: yes.
Comment: This variant is considered likely benign or benign based on one or more of the following criteria: it is a conservative change, it occurs at a poorly conserved position in the protein, it is predicted to be benign by multiple in silico algorithms, and/or has population frequency not consistent with disease.

NM_001098511.3(KIF2A):c.1578+20_1578+30del

Gene: KIF2A (kinesin family member 2A; plus strand). Cytogenetic location: 5q12.1.
Variant type: Deletion.
Coding change: c.1578+20_1578+30del on transcript NM_001098511.3 (MANE Select); bases 20 to 30 of the intron after coding-DNA position 1578, 11 bases deleted (TTGTTTGTTTT).
Molecular consequence: intron variant.
Genome position (GRCh38, 1-based): chr5:62,365,373-62,365,383, TTGTTTGTTTT deleted; deleting any 11 consecutive bases within chr5:62,365,369-62,365,383 gives the same sequence; the c. name uses the placement nearest the transcript's 3' end. VCF-style (leftmost placement, unchanged base first): chr5-62365368-ATTTTTTGTTTG-A. GRCh37 (hg19) VCF-style: chr5-61661195-ATTTTTTGTTTG-A.
Other names: c.1578+20_1578+30delTTGTTTGTTTT (NM_001098511.2); c.1497+20_1497+30del (NM_001243952.2); c.1578+20_1578+30del (NM_004520.5); c.1521+20_1521+30del (NM_001243953.2).
Identifiers: ClinVar variation 423021 (VCV000423021.8), dbSNP rs201419327, ClinGen allele CA3279002.
Genomic context (GRCh38, chr5:62,365,368, plus strand): 5'-GGTGTTAAGAGATTCTTTCATAGGTGAAAACTCTCGTACCTGCATGGTAAGTTTATGTTT[ATTTTTTGTTTG>A]TTTTATTTTAATCCTAAAGGAATAACTACACAATATTTATGGAAAATGTATTTGTTAGTG-3'